The following is an entry in ClinVar:

ClinVar aggregate classification (germline): Benign/Likely benign. Review status: criteria provided, multiple submitters, no conflicts (2 of 4 stars). 4 submissions from 4 submitters: Benign (1); Likely benign (3). Last evaluated 2026-04-15.

Conditions:
DICER1-related tumor predisposition. Also called: DICER1 syndrome; DICER1-related pleuropulmonary blastoma cancer predisposition syndrome. Identifiers: Orphanet 284343, MedGen C3839822, MONDO:0100216.
Hereditary cancer-predisposing syndrome. Also called: Tumor predisposition; Hereditary neoplastic syndrome; Hereditary Cancer Syndrome; Neoplastic Syndromes, Hereditary. Identifiers: Orphanet 140162, MedGen C0027672, MeSH D009386, MONDO:0015356.

Allele frequency attached by ClinVar (database versions not stated): gnomAD exomes below 0.00001; gnomAD 0.00001.
gnomAD v4.1: 2 of 1,613,810 alleles (0.00012%); highest among the groups gnomAD compares: Non-Finnish European, 0.00017%; no homozygotes.

Submissions (4):

Myriad Genetics, Inc.
Classification: Benign for DICER1-related tumor predisposition. Last evaluated: 2026-04-15. Review status: criteria provided, single submitter. Criteria: Myriad Autosomal Dominant, Autosomal Recessive and X-Linked Classification Criteria (2023). Collection method: clinical testing. Allele origin: unknown.
Comment: This variant is considered benign. This variant is a silent/synonymous amino acid change and it is not expected to impact splicing.

Labcorp Genetics (formerly Invitae), Labcorp
Classification: Likely benign for DICER1-related tumor predisposition. Last evaluated: 2026-02-03. Review status: criteria provided, single submitter. Criteria: Invitae Variant Classification Sherloc (09022015). Collection method: clinical testing. Allele origin: germline.

CeGaT Center for Human Genetics Tuebingen
Classification: Likely benign. Last evaluated: 2024-08-01. Review status: criteria provided, single submitter. Criteria: CeGaT Center For Human Genetics Tuebingen Variant Classification Criteria Version 2. Collection method: clinical testing. Allele origin: germline. Affected: yes. Observed: 1 variant allele.
Comment: DICER1: BP4, BP7

Ambry Genetics
Classification: Likely benign for Hereditary cancer-predisposing syndrome. Last evaluated: 2017-10-16. Review status: criteria provided, single submitter. Criteria: Ambry Variant Classification Scheme 2023. Collection method: clinical testing. Allele origin: germline.

NM_177438.3(DICER1):c.1254T>C (p.Asp418=)

Gene: DICER1 (dicer 1, ribonuclease III; minus strand). Cytogenetic location: 14q32.13.
Variant type: single nucleotide variant.
Coding change: c.1254T>C on transcript NM_177438.3 (MANE Select); coding-DNA position 1254, T replaced by C.
Protein change: p.Asp418=; no amino-acid change (aspartic acid 418 retained).
Molecular consequence: synonymous variant.
Genome position (GRCh38, 1-based): chr14:95,124,318, A>G on the plus strand (T>C on the coding strand, the complement: DICER1 is on the minus strand). VCF-style: chr14-95124318-A-G. GRCh37 (hg19) VCF-style: chr14-95590655-A-G.
Other names: c.1254T>C, p.Asp418= (NM_001195573.1, NM_001271282.3, NM_001291628.2 and 1 more transcripts).
Identifiers: ClinVar variation 417124 (VCV000417124.33), dbSNP rs988056610, ClinGen allele CA16614558.
Genomic context (GRCh38, chr14:95,124,318, plus strand): 5'-AAAAGGAGAAGGAAAATTTGTCTCTGGCTTCTCTTTTTCTTCAATTTCTTCATCCTCATC[A>G]TCATCCTCAGAATCACTCCATGACACATAATTATCCTGATTTCTATTATTATACCACTCA-3'
Protein context (NP_803187.1, residues 408-428): NYVSWSDSED[Asp418=]DEDEEIEEKE